The following is an entry in ClinVar:

ClinVar aggregate classification (germline): Likely pathogenic (1 of 4 stars; one submission).

Conditions:
Autosomal recessive limb-girdle muscular dystrophy type 2J (LGMDR10). Also called: MUSCULAR DYSTROPHY, LIMB-GIRDLE, AUTOSOMAL RECESSIVE 10; Limb-girdle muscular dystrophy, type 2J. Identifiers: Orphanet 140922, MedGen C1837342, MONDO:0012127, OMIM 608807.

Submission:

Laboratory of Medical Genetics, National & Kapodistrian University of Athens
Classification: Likely pathogenic for Autosomal recessive limb-girdle muscular dystrophy type 2J. Last evaluated: 2022-03-21. Review status: criteria provided, single submitter. Criteria: ACMG Guidelines, 2015. Collection method: clinical testing. Allele origin: paternal. Affected: yes.
Comment: PVS1, PM2

NM_001267550.2(TTN):c.84984del (p.Phe28328fs)

Genes: TTN (titin; minus strand), TTN-AS1 (TTN antisense RNA 1; plus strand). Cytogenetic location: 2q31.2.
Variant type: Deletion.
Coding change: c.84984del on transcript NM_001267550.2 (MANE Select); coding-DNA position 84984, one base deleted (T; older notation c.84984delT).
Protein change: p.Phe28328fs; shifts the reading frame from phenylalanine 28328.
Molecular consequence: frameshift variant.
Genome position (GRCh38, 1-based): chr2:178,561,148, A deleted on the plus strand (T on the coding strand, the reverse complement: TTN is on the minus strand); the first of 5 consecutive A bases (chr2:178,561,148-178,561,152); deleting any one gives the same sequence. VCF-style (leftmost placement, unchanged base first): chr2-178561147-CA-C. GRCh37 (hg19) VCF-style: chr2-179425874-CA-C.
Other names: c.80061del, p.Phe26687fs (NM_001256850.1); c.57789del, p.Phe19263fs (NM_003319.4); c.77280del, p.Phe25760fs (NM_133378.4); c.58164del, p.Phe19388fs (NM_133432.3); c.58365del, p.Phe19455fs (NM_133437.4); c.84984delT (NM_001267550.2); short protein forms F19263fs, F19388fs, F19455fs, F25760fs, F26687fs, F28328fs.
Identifiers: ClinVar variation 1708075 (VCV001708075.1), dbSNP rs2154159353, ClinGen allele CA2580064890.